The following is an entry in ClinVar:

NM_001242882.2(NAXD):c.976C>G (p.Leu326Val)

Gene: NAXD (NAD(P)HX dehydratase; plus strand). Cytogenetic location: 13q34.
Variant type: single nucleotide variant.
Coding change: c.976C>G on transcript NM_001242882.2 (MANE Select); coding-DNA position 976, C replaced by G.
Protein change: p.Leu326Val; replaces leucine 326 with valine.
Molecular consequence: missense variant. On other transcripts: non-coding transcript variant (2).
Genome position (GRCh38, 1-based): chr13:110,638,514, C>G. VCF-style: chr13-110638514-C-G. GRCh37 (hg19) VCF-style: chr13-111290861-C-G.
Other names: c.1030C>G, p.Leu344Val (NM_001242881.2); c.700C>G, p.Leu234Val (NM_001242883.2); c.1166C>G, p.Ala389Gly (NM_018210.4); short protein forms A389G, L326V, L344V, L234V.
Identifiers: ClinVar variation 1415195 (VCV001415195.5), dbSNP rs550431558, ClinGen allele CA7051469.

ClinVar aggregate classification (germline): Uncertain significance (1 of 4 stars; one submission).

Allele frequency attached by ClinVar (database versions not stated): gnomAD 0.00005 and 0.00011; TOPMed 0.00005; gnomAD exomes 0.00019; ExAC 0.00029; 1000 Genomes Project 30x 0.00047; 1000 Genomes Project 0.00060.

Submission:

Labcorp Genetics (formerly Invitae), Labcorp
Classification: Uncertain significance. Last evaluated: 2021-08-31. Review status: criteria provided, single submitter. Criteria: Invitae Variant Classification Sherloc (09022015). Collection method: clinical testing. Allele origin: germline.
Comment: This sequence change replaces alanine with glycine at codon 389 of the NAXD protein (p.Ala389Gly). The alanine residue is weakly conserved and there is a small physicochemical difference between alanine and glycine. This variant is present in population databases (rs550431558, ExAC 0.2%). This variant has not been reported in the literature in individuals affected with NAXD-related conditions. Algorithms developed to predict the effect of missense changes on protein structure and function are either unavailable or do not agree on the potential impact of this missense change (SIFT: "Deleterious"; PolyPhen-2: "Not Available"; Align-GVGD: "Class C0"). Algorithms developed to predict the effect of sequence changes on RNA splicing suggest that this variant may create or strengthen a splice site. In summary, the available evidence is currently insufficient to determine the role of this variant in disease. Therefore, it has been classified as a Variant of Uncertain Significance.